The following is an entry in ClinVar:

NM_001206927.2(DNAH8):c.12110T>C (p.Phe4037Ser)

Genes: DNAH8 (dynein axonemal heavy chain 8; plus strand), DNAH8-AS1 (DNAH8 antisense RNA 1; minus strand). Cytogenetic location: 6p21.2.
Variant type: single nucleotide variant.
Coding change: c.12110T>C on transcript NM_001206927.2 (MANE Select); coding-DNA position 12110, T replaced by C.
Protein change: p.Phe4037Ser; replaces phenylalanine 4037 with serine.
Molecular consequence: missense variant.
Genome position (GRCh38, 1-based): chr6:38,945,569, T>C. VCF-style: chr6-38945569-T-C. GRCh37 (hg19) VCF-style: chr6-38913345-T-C.
Other names: c.11459T>C, p.Phe3820Ser (NM_001371.4); short protein forms F3820S, F4037S.
Identifiers: ClinVar variation 1408542 (VCV001408542.15), dbSNP rs1391386376, ClinGen allele CA364022842.
Genomic context (GRCh38, chr6:38,945,569, plus strand): 5'-ATCGCTGGATCCTTGACATGACTTGGCTGAATCTTGTGGAGCTGAGTAAACTTCCACAAT[T>C]TGCAGAAATTATGAACCAGGTAATACAATAAAGGGCTGGTTGAAAGTGCAGATCTGCAAA-3'
Protein context (NP_001193856.1, residues 4027-4047): NLVELSKLPQ[Phe4037Ser]AEIMNQISRN

ClinVar aggregate classification (germline): Uncertain significance (1 of 4 stars; one submission).

Conditions:
Primary ciliary dyskinesia. Also called: Ciliary dyskinesia. Identifiers: Orphanet 244, MedGen C0008780, MONDO:0016575, HP:0012265.

Allele frequency attached by ClinVar (database versions not stated): TOPMed below 0.00001; gnomAD 0.00001.
gnomAD v4.1: 1 of 1,614,022 alleles (0.000062%); highest among the groups gnomAD compares: African/African-American, 0.0013%; no homozygotes.

Submission:

Labcorp Genetics (formerly Invitae), Labcorp
Classification: Uncertain significance for Primary ciliary dyskinesia. Last evaluated: 2022-08-22. Review status: criteria provided, single submitter. Criteria: Invitae Variant Classification Sherloc (09022015). Collection method: clinical testing. Allele origin: germline.
Comment: In summary, the available evidence is currently insufficient to determine the role of this variant in disease. Therefore, it has been classified as a Variant of Uncertain Significance. Algorithms developed to predict the effect of missense changes on protein structure and function are either unavailable or do not agree on the potential impact of this missense change (SIFT: "Deleterious"; PolyPhen-2: "Not Available"; Align-GVGD: "Class C0"). ClinVar contains an entry for this variant (Variation ID: 1408542). This variant has not been reported in the literature in individuals affected with DNAH8-related conditions. This variant is not present in population databases (gnomAD no frequency). This sequence change replaces phenylalanine, which is neutral and non-polar, with serine, which is neutral and polar, at codon 4037 of the DNAH8 protein (p.Phe4037Ser).